The following is an entry in ClinVar:

NM_004304.5(ALK):c.2769G>A (p.Gly923=)

Gene: ALK (ALK receptor tyrosine kinase; minus strand). Cytogenetic location: 2p23.2.
Variant type: single nucleotide variant.
Coding change: c.2769G>A on transcript NM_004304.5 (MANE Select); coding-DNA position 2769, G replaced by A.
Protein change: p.Gly923=; no amino-acid change (glycine 923 retained).
Molecular consequence: synonymous variant.
Genome position (GRCh38, 1-based): chr2:29,228,930, C>T on the plus strand (G>A on the coding strand, the complement: ALK is on the minus strand). VCF-style: chr2-29228930-C-T. GRCh37 (hg19) VCF-style: chr2-29451796-C-T.
Identifiers: ClinVar variation 1147885 (VCV001147885.12), dbSNP rs75434768, ClinGen allele CA44635320.

ClinVar aggregate classification (germline): Conflicting classifications of pathogenicity. Review status: criteria provided, conflicting classifications (1 of 4 stars). 3 submissions from 3 submitters: Uncertain significance (1); Likely benign (2). Last evaluated 2025-02-05.

Conditions:
Neuroblastoma, susceptibility to, 3. Also called: ALK-Related Neuroblastic Tumor Susceptibility. Identifiers: Orphanet 635, MedGen C2751681, MONDO:0013083, OMIM 613014.
Hereditary cancer-predisposing syndrome. Also called: Hereditary Cancer Syndrome; Hereditary neoplastic syndrome; Neoplastic Syndromes, Hereditary; Tumor predisposition. Identifiers: Orphanet 140162, MedGen C0027672, MeSH D009386, MONDO:0015356.

Allele frequency attached by ClinVar (database versions not stated): gnomAD exomes below 0.00001.
gnomAD v4.1: 1 of 1,499,720 alleles (0.000067%); highest among the groups gnomAD compares: Admixed American, 0.0017%; no homozygotes.

Submissions (3):

Labcorp Genetics (formerly Invitae), Labcorp
Classification: Likely benign for Neuroblastoma, susceptibility to, 3. Last evaluated: 2025-02-05. Review status: criteria provided, single submitter. Criteria: Invitae Variant Classification Sherloc (09022015). Collection method: clinical testing. Allele origin: germline.

GeneDx
Classification: Uncertain significance. Last evaluated: 2023-05-09. Review status: criteria provided, single submitter. Criteria: GeneDx Variant Classification Process June 2021. Collection method: clinical testing. Allele origin: germline. Affected: yes.
Comment: Not observed at significant frequency in large population cohorts (gnomAD); In silico analysis supports that this variant does not alter splicing; Has not been previously published as pathogenic or benign to our knowledge

Ambry Genetics
Classification: Likely benign for Hereditary cancer-predisposing syndrome. Last evaluated: 2022-05-07. Review status: criteria provided, single submitter. Criteria: Ambry Variant Classification Scheme 2023. Collection method: clinical testing. Allele origin: germline.